The following is an entry in ClinVar:

ClinVar aggregate classification (germline): Uncertain significance. Review status: criteria provided, multiple submitters, no conflicts (2 of 4 stars). 4 submissions from 4 submitters: Uncertain significance (4). Last evaluated 2026-01-09.

Conditions:
Neuropathy, hereditary sensory and autonomic, type 2A (HSAN2A). Also called: ACROOSTEOLYSIS, GIACCAI TYPE; ACROOSTEOLYSIS, NEUROGENIC; WNK1-Related HSAN2 (HSAN2A); MORVAN DISEASE; NEUROPATHY, CONGENITAL SENSORY; NEUROPATHY, HEREDITARY SENSORY RADICULAR, AUTOSOMAL RECESSIVE. Identifiers: Orphanet 970, MedGen C2752089, MONDO:0024309, OMIM 201300.
Generalized epilepsy with febrile seizures plus, type 7 (GEFSP7). Also called: GEFS+, TYPE 7. Identifiers: Orphanet 36387, MedGen C2751778, MONDO:0013470, OMIM 613863.
Inborn genetic diseases. Identifiers: MedGen C0950123, MeSH D030342.
Primary erythromelalgia. Also called: SCN9A Erythromelalgia (SCN9A-EM); primary erythermalgia. Identifiers: Orphanet 306577, Orphanet 90026, MedGen C0014805, MONDO:0007571, OMIM 133020.
Paroxysmal extreme pain disorder (PEXPD). Also called: SCN9A Paroxysmal Extreme Pain Disorder (SCN9A-PEPD); PAIN, SUBMANDIBULAR, OCULAR, AND RECTAL, WITH FLUSHING; RECTAL PAIN, FAMILIAL. Identifiers: Orphanet 46348, MedGen C1833661, MONDO:0008179, OMIM 167400.
Channelopathy-associated congenital insensitivity to pain, autosomal recessive. Also called: ASYMBOLIA FOR PAIN; CONGENITAL ANALGESIA, AUTOSOMAL RECESSIVE; Insensitivity to pain, channelopathy-associated. Identifiers: Orphanet 88642, Orphanet 970, MedGen C1855739, MONDO:0009459, OMIM 243000.

Allele frequency attached by ClinVar (database versions not stated): gnomAD 0.00001 and 0.00002; gnomAD exomes 0.00002 and 0.00007; TOPMed 0.00006; ExAC 0.00007.
gnomAD v4.1: 38 of 1,613,056 alleles (0.0024%); highest among the groups gnomAD compares: East Asian, 0.08%; no homozygotes.

Submissions (4):

Labcorp Genetics (formerly Invitae), Labcorp
Classification: Uncertain significance for Neuropathy, hereditary sensory and autonomic, type 2A; Generalized epilepsy with febrile seizures plus, type 7. Last evaluated: 2026-01-09. Review status: criteria provided, single submitter. Criteria: Invitae Variant Classification Sherloc (09022015). Collection method: clinical testing. Allele origin: germline.
Comment: This sequence change replaces threonine, which is neutral and polar, with arginine, which is basic and polar, at codon 1935 of the SCN9A protein (p.Thr1935Arg). This variant is present in population databases (rs760097843, gnomAD 0.09%). This variant has not been reported in the literature in individuals affected with SCN9A-related conditions. ClinVar contains an entry for this variant (Variation ID: 956459). Invitae Evidence Modeling of protein sequence and biophysical properties (such as structural, functional, and spatial information, amino acid conservation, physicochemical variation, residue mobility, and thermodynamic stability) has been performed for this missense variant. However, the output from this modeling did not meet the statistical confidence thresholds required to predict the impact of this variant on SCN9A protein function. In summary, the available evidence is currently insufficient to determine the role of this variant in disease. Therefore, it has been classified as a Variant of Uncertain Significance.

Mayo Clinic Laboratories, Mayo Clinic
Classification: Uncertain significance. Last evaluated: 2024-04-25. Review status: criteria provided, single submitter. Criteria: ACMG Guidelines, 2015. Collection method: clinical testing. Allele origin: germline. Observed: 1 variant allele.

Fulgent Genetics
Classification: Uncertain significance for Primary erythromelalgia; Paroxysmal extreme pain disorder; Neuropathy, hereditary sensory and autonomic, type 2A; Channelopathy-associated congenital insensitivity to pain, autosomal recessive. Last evaluated: 2021-08-30. Review status: criteria provided, single submitter. Criteria: ACMG Guidelines, 2015. Collection method: clinical testing. Allele origin: unknown.

Ambry Genetics
Classification: Uncertain significance for Inborn genetic diseases. Last evaluated: 2020-12-02. Review status: criteria provided, single submitter. Criteria: Ambry Variant Classification Scheme 2023. Collection method: clinical testing. Allele origin: germline.
Comment: The p.T1935R variant (also known as c.5804C>G), located in coding exon 26 of the SCN9A gene, results from a C to G substitution at nucleotide position 5804. The threonine at codon 1935 is replaced by arginine, an amino acid with similar properties. This amino acid position is not well conserved in available vertebrate species. In addition, the in silico prediction for this alteration is inconclusive. Based on the supporting evidence, this variant is unlikely to be causative of primary erythermalgia/small fiber neuropathy, and paroxysmal extreme pain disorder (PEPD); however, its contribution to the development of congenital insensitivity to pain (CIP) and hereditary sensory autonomic neuropathy type II (HSAN2D) is uncertain.

NM_001365536.1(SCN9A):c.5837C>G (p.Thr1946Arg)

Genes: SCN1A-AS1 (SCN1A and SCN9A antisense RNA 1; plus strand), SCN9A (sodium voltage-gated channel alpha subunit 9; minus strand). Cytogenetic location: 2q24.3.
Variant type: single nucleotide variant.
Coding change: c.5837C>G on transcript NM_001365536.1 (MANE Select); coding-DNA position 5837, C replaced by G.
Protein change: p.Thr1946Arg; replaces threonine 1946 with arginine.
Molecular consequence: missense variant.
Genome position (GRCh38, 1-based): chr2:166,198,802, G>C on the plus strand (C>G on the coding strand, the complement: SCN9A is on the minus strand). VCF-style: chr2-166198802-G-C. GRCh37 (hg19) VCF-style: chr2-167055312-G-C.
Other names: p.Thr1935Arg; c.5804C>G, p.Thr1935Arg (NM_002977.4); short protein forms T1935R, T1946R.
Identifiers: ClinVar variation 956459 (VCV000956459.14), dbSNP rs760097843, ClinGen allele CA1943606.
Genomic context (GRCh38, chr2:166,198,802, plus strand): 5'-TTGTCTGGCTTTGTTACACTATCATATGAAGGTGGAGAGGTGGTGGATGAAGTGGCATCT[G>C]TTTTTTCTGGACTTGAGTTCTCATTAACATTATCAAAAGCCATATCTTTTTTATTGAGTA-3'
Protein context (NP_001352465.1, residues 1936-1956): NVNENSSPEK[Thr1946Arg]DATSSTTSPP